The following is an entry in ClinVar:

ClinVar aggregate classification (germline): Likely benign. Review status: criteria provided, multiple submitters, no conflicts (2 of 4 stars). 4 submissions from 4 submitters: Likely benign (4). Last evaluated 2025-11-03.

Conditions:
Hereditary cancer-predisposing syndrome. Also called: Tumor predisposition; Hereditary neoplastic syndrome; Neoplastic Syndromes, Hereditary; Hereditary Cancer Syndrome. Identifiers: Orphanet 140162, MedGen C0027672, MeSH D009386, MONDO:0015356.
Tuberous sclerosis 2 (TSC2). Identifiers: Orphanet 805, MedGen C1860707, MONDO:0013199, OMIM 613254.
Tuberous sclerosis syndrome (TSC). Also called: Tuberous Sclerosis Complex; Tuberous sclerosis. Identifiers: Orphanet 805, MedGen C0041341, MONDO:0001734.

Allele frequency attached by ClinVar (database versions not stated): gnomAD exomes below 0.00001; gnomAD 0.00001.
gnomAD v4.1: 5 of 1,612,166 alleles (0.00031%); highest among the groups gnomAD compares: African/African-American, 0.0013%; no homozygotes.

Submissions (4):

Labcorp Genetics (formerly Invitae), Labcorp
Classification: Likely benign for Tuberous sclerosis 2. Last evaluated: 2025-11-03. Review status: criteria provided, single submitter. Criteria: Invitae Variant Classification Sherloc (09022015). Collection method: clinical testing. Allele origin: germline.

Myriad Genetics, Inc.
Classification: Likely benign for Tuberous sclerosis 2. Last evaluated: 2025-05-14. Review status: criteria provided, single submitter. Criteria: Myriad Autosomal Dominant, Autosomal Recessive and X-Linked Classification Criteria (2023). Collection method: clinical testing. Allele origin: unknown.
Comment: This variant is considered likely benign. This variant is intronic and is not expected to impact mRNA splicing.

All of Us Research Program, National Institutes of Health
Classification: Likely benign for Tuberous sclerosis syndrome. Last evaluated: 2023-09-18. Review status: criteria provided, single submitter. Criteria: ACMG Guidelines, 2015. Collection method: clinical testing. Allele origin: germline. Inheritance: Autosomal dominant inheritance. Observed: 5 variant alleles, 5 heterozygotes.
Comment: This study involves interpretation of variants in research participants for the purpose of population health screening. Participant phenotype was not available at the time of variant classification. Additional details can be found in publication PMID: 35346344, PMCID: PMC8962531

Ambry Genetics
Classification: Likely benign for Hereditary cancer-predisposing syndrome. Last evaluated: 2023-07-14. Review status: criteria provided, single submitter. Criteria: Ambry Variant Classification Scheme 2023. Collection method: clinical testing. Allele origin: germline.

NM_000548.5(TSC2):c.1600-4A>C

Gene: TSC2 (TSC complex subunit 2; plus strand). Cytogenetic location: 16p13.3.
Variant type: single nucleotide variant.
Coding change: c.1600-4A>C on transcript NM_000548.5 (MANE Select); 4 bases into the intron before coding-DNA position 1600, A replaced by C.
Molecular consequence: intron variant.
Genome position (GRCh38, 1-based): chr16:2,065,515, A>C. VCF-style: chr16-2065515-A-C. GRCh37 (hg19) VCF-style: chr16-2115516-A-C.
Other names: c.1633-4A>C (NM_001318832.2); c.1489-4A>C (NM_001318827.2); c.1000-4A>C (NM_001318831.2); c.1453-4A>C (NM_001318829.2); c.1600-4A>C (NM_001114382.3, NM_021055.3, NM_001370405.1 and 3 more transcripts).
Identifiers: ClinVar variation 705844 (VCV000705844.14), dbSNP rs1164295969, ClinGen allele CA620373858.